The following continues an entry in ClinVar:

NM_153676.4(USH1C):c.238dup (p.Arg80fs)

Gene: USH1C. ClinVar aggregate classification (germline): Pathogenic. Pathogenic (23).

Submissions 17 to 34 of 34:

Genetics and Molecular Pathology, SA Pathology
Classification: Pathogenic for Usher syndrome type 1C. Last evaluated: 2021-01-07. Review status: criteria provided, single submitter. Criteria: ACMG Guidelines, 2015. Collection method: clinical testing. Allele origin: germline. Affected: yes.

Myriad Genetics, Inc.
Classification: Pathogenic for Usher syndrome type 1C. Last evaluated: 2019-12-17. Review status: criteria provided, single submitter. Criteria: Myriad Women's Health Autosomal Recessive and X-Linked Classification Criteria (2019). Collection method: clinical testing. Allele origin: unknown.
Comment: NM_153676.3(USH1C):c.238dupC(R80Pfs*69) is classified as pathogenic in the context of USH1C-related disorders. Sources cited for classification include the following: PMID 10973248 and 11139240. Classification of NM_153676.3(USH1C):c.238dupC(R80Pfs*69) is based on the following criteria: The variant causes a premature termination codon that is expected to be targeted by nonsense-mediated mRNA decay and is reported in individuals with the relevant phenotype. Please note: this variant was assessed in the context of healthy population screening.

Laboratory of Prof. Karen Avraham, Tel Aviv University
Classification: Pathogenic for Usher syndrome type 1C. Last evaluated: 2018-05-07. Review status: criteria provided, single submitter. Criteria: ACMG Guidelines, 2015. Collection method: research. Allele origin: germline. Affected: yes.
Comment: Recessive, congenital, profound HL;USH1C

Eurofins Ntd Llc (ga)
Classification: Pathogenic. Last evaluated: 2017-11-28. Review status: criteria provided, single submitter. Criteria: EGL Classification Definitions 2015. Collection method: clinical testing. Allele origin: germline. Observed: 4 variant alleles, 4 heterozygotes.

Laboratory for Molecular Medicine, Mass General Brigham Personalized Medicine
Classification: Pathogenic for Rare genetic deafness. Last evaluated: 2015-07-26. Review status: criteria provided, single submitter. Criteria: LMM Criteria. Collection method: clinical testing. Allele origin: germline. Inheritance: Autosomal recessive inheritance. Observed: 4 variant alleles.
Comment: The p.Arg80fs variant in USH1C has been reported as a homozygous variant in at l east 5 individuals and as a compound heterozygous variant in at least 8 individu als with Usher syndrome, was absent in 552 control chromosomes, and segregated w ith a second pathogenic variant in 5 affected siblings (Bitner-Glindzicz 2000, B laydon 2003, Ebermann 2007, Le Quesne Stabej 2012, Ouyang 2003, Verpy 2000, Zwae nepoel 2001). It has been identified in 35/64768 European chromosomes by the Ex ome Aggregation Consortium (ExAC; dbSNP rs148597 739); however, its frequency is low enough to be consistent with a recessive car rier frequency. This frameshift variant is predicted to alter the protein?s amin o acid sequence beginning at position 80 and lead to a premature termination cod on 69 amino acids downstream. This alteration is then predicted to lead to a tru ncated or absent protein. In summary, this variant meets our criteria to be clas sified as pathogenic for autosomal recessive Usher syndrome.

Baylor Genetics
Classification: Pathogenic for Usher syndrome type 1. Review status: criteria provided, single submitter. Criteria: ACMG Guidelines, 2015. Collection method: clinical testing. Allele origin: germline.

Genetics Research Center, University of Social Welfare and Rehabilitation Sciences
Classification: Pathogenic for Autosomal recessive nonsyndromic hearing loss 18A. Review status: criteria provided, single submitter. Criteria: ACMG Guidelines, 2015. Collection method: research. Allele origin: germline. Affected: yes.
Comment: The variant is present in the gnomAD v2.1.1 dataset at a very low allele frequency (0.03%) and has been previously reported in individual(s) affected with USH1C-related hearing loss (PMID:27957503, 20613545, 21203349, 12702164, 12630964, 17407589, 11139240, 12107438, 30303587, 30718709, 28041643, 22135276, 26969326, 10973247, 21569298, 10973248). It has also been observed to segregate with disease in related individuals. It is a premature termination codon expected to result in an absent or disrupted protein product.

PreventionGenetics, part of Exact Sciences
Classification: Pathogenic for USH1C-related condition. Last evaluated: 2024-09-23. Review status: no assertion criteria provided. Collection method: clinical testing. Allele origin: germline. Not counted in ClinVar's aggregate classification.
Comment: The USH1C c.238dupC variant is predicted to result in a frameshift and premature protein termination (p.Arg80Profs*69). This variant has been reported to be causative for autosomal recessive Usher syndrome (Bitner-Glindzicz et al. 2000. PubMed ID: 10973248; Bujakowska et al. 2014. PubMed ID: 25468891; Ouyang et al. 2003. PubMed ID: 12630964; Table S3, Sloan-Heggen et al. 2016. PubMed ID: 26969326). This variant is reported in 0.20% of alleles in individuals of Ashkenazi Jewish descent in gnomAD. Frameshift variants in USH1C are expected to be pathogenic. This variant is interpreted as pathogenic.

Sharon lab, Hadassah-Hebrew University Medical Center
Classification: Pathogenic for usher syndrome type 1. Last evaluated: 2019-06-23. Review status: no assertion criteria provided. Collection method: research. Allele origin: inherited. Affected: yes. Not counted in ClinVar's aggregate classification.

Department of Clinical Genetics, Copenhagen University Hospital, Rigshospitalet
Classification: Pathogenic for Retinitis pigmentosa. Last evaluated: 2018-04-01. Review status: no assertion criteria provided. Collection method: research. Allele origin: unknown. Affected: yes. Study: VeluxRD. Not counted in ClinVar's aggregate classification.

Counsyl
Classification: Pathogenic for Autosomal recessive nonsyndromic hearing loss 18A. Last evaluated: 2017-01-03. Review status: no assertion criteria provided. Collection method: clinical testing. Allele origin: unknown. Not counted in ClinVar's aggregate classification.

NIHR Bioresource Rare Diseases, University of Cambridge
Classification: Pathogenic for Usher syndrome. Last evaluated: 2015-01-01. Review status: no assertion criteria provided. Collection method: research. Allele origin: unknown. Affected: yes. Observed: 1 variant allele. Not counted in ClinVar's aggregate classification.

OMIM
Classification: Pathogenic for USHER SYNDROME, TYPE IC. Last evaluated: 2001-01-01. Review status: no assertion criteria provided. Collection method: literature only. Allele origin: germline. Not counted in ClinVar's aggregate classification.

Clinical Genetics DNA and cytogenetics Diagnostics Lab, Erasmus MC, Erasmus Medical Center
Classification: Pathogenic. Review status: no assertion criteria provided. Collection method: clinical testing. Allele origin: germline. Affected: yes. Study: VKGL Data-share Consensus. Not counted in ClinVar's aggregate classification.

GeneReviews
No classification provided. Condition: Usher syndrome type 1C. Review status: no classification provided. Collection method: literature only. Allele origin: unknown. Not counted in ClinVar's aggregate classification.

GeneReviews
No classification provided. Condition: Usher syndrome type 1. Review status: no classification provided. Collection method: literature only. Allele origin: germline. Affected: yes. Not counted in ClinVar's aggregate classification.

Joint Genome Diagnostic Labs from Nijmegen and Maastricht, Radboudumc and MUMC+
Classification: Pathogenic. Review status: no assertion criteria provided. Collection method: clinical testing. Allele origin: germline. Affected: yes. Study: VKGL Data-share Consensus. Not counted in ClinVar's aggregate classification.

University of Washington Center for Mendelian Genomics, University of Washington
Classification: Likely pathogenic for non-syndromic autosomal recessive hearing loss. Review status: no assertion criteria provided. Collection method: research. Allele origin: inherited. Affected: yes. Not counted in ClinVar's aggregate classification.

Literature cited by the submitters: PubMed 10973247 (cited by 5 submitters); PubMed 17407589 (cited by 4 submitters); PubMed 20301442 (cited by Labcorp Genetics (formerly Invitae), Labcorp and GeneReviews); PubMed 21203349 (cited by Labcorp Genetics (formerly Invitae), Labcorp and Genetics Research Center, University of Social Welfare and Rehabilitation Sciences); PubMed 10973248 (cited by 9 submitters); PubMed 12702164 (cited by 4 submitters); PubMed 26969326 (cited by 3 submitters); PubMed 11139240 (cited by 6 submitters); PubMed 22135276 (cited by Laboratory for Molecular Medicine, Mass General Brigham Personalized Medicine and Genetics Research Center, University of Social Welfare and Rehabilitation Sciences); PubMed 12630964 (cited by 3 submitters); PubMed 27957503 (cited by Genetics Research Center, University of Social Welfare and Rehabilitation Sciences); PubMed 20613545 (cited by Genetics Research Center, University of Social Welfare and Rehabilitation Sciences); PubMed 12107438 (cited by Genetics Research Center, University of Social Welfare and Rehabilitation Sciences and GeneReviews); PubMed 30303587 (cited by Genetics Research Center, University of Social Welfare and Rehabilitation Sciences and University of Washington Center for Mendelian Genomics, University of Washington); PubMed 30718709 (cited by Genetics Research Center, University of Social Welfare and Rehabilitation Sciences and Department of Clinical Genetics, Copenhagen University Hospital, Rigshospitalet); PubMed 28041643 (cited by Genetics Research Center, University of Social Welfare and Rehabilitation Sciences and NIHR Bioresource Rare Diseases, University of Cambridge); PubMed 21569298 (cited by Genetics Research Center, University of Social Welfare and Rehabilitation Sciences and GeneReviews); NCBI Bookshelf NBK1265 (cited by GeneReviews).